The following is an entry in ClinVar:

NM_021076.4(NEFH):c.863A>C (p.Gln288Pro)

Gene: NEFH (neurofilament heavy chain; plus strand). Cytogenetic location: 22q12.2.
Variant type: single nucleotide variant.
Coding change: c.863A>C on transcript NM_021076.4 (MANE Select); coding-DNA position 863, A replaced by C.
Protein change: p.Gln288Pro; replaces glutamine 288 with proline.
Molecular consequence: missense variant.
Genome position (GRCh38, 1-based): chr22:29,481,125, A>C. VCF-style: chr22-29481125-A-C. GRCh37 (hg19) VCF-style: chr22-29877114-A-C.
Other names: short protein forms Q288P.
Identifiers: ClinVar variation 2126220 (VCV002126220.4), dbSNP rs1377718470, ClinGen allele CA411124262.

ClinVar aggregate classification (germline): Uncertain significance (1 of 4 stars; one submission).

Submission:

Labcorp Genetics (formerly Invitae), Labcorp
Classification: Uncertain significance. Last evaluated: 2025-07-31. Review status: criteria provided, single submitter. Criteria: Invitae Variant Classification Sherloc (09022015). Collection method: clinical testing. Allele origin: germline.
Comment: This sequence change replaces glutamine, which is neutral and polar, with proline, which is neutral and non-polar, at codon 288 of the NEFH protein (p.Gln288Pro). This variant is not present in population databases (gnomAD no frequency). This variant has not been reported in the literature in individuals affected with NEFH-related conditions. ClinVar contains an entry for this variant (Variation ID: 2126220). Invitae Evidence Modeling of protein sequence and biophysical properties (such as structural, functional, and spatial information, amino acid conservation, physicochemical variation, residue mobility, and thermodynamic stability) indicates that this missense variant is not expected to disrupt NEFH protein function with a negative predictive value of 95%. In summary, the available evidence is currently insufficient to determine the role of this variant in disease. Therefore, it has been classified as a Variant of Uncertain Significance.